The following is an entry in ClinVar:

ClinVar aggregate classification (germline): Pathogenic/Likely pathogenic. Review status: criteria provided, multiple submitters, no conflicts (2 of 4 stars). 3 submissions from 3 submitters: Pathogenic (1); Likely pathogenic (2). Last evaluated 2025-09-06.

Conditions:
Ciliopathy. Also called: Ciliopathies. Identifiers: Orphanet 363250, MedGen C4277690, MONDO:0005308, MeSH D000072661.
Joubert syndrome 18 (JBTS18). Identifiers: Orphanet 2754, MedGen C3553758, MONDO:0013896, OMIM 614815.
Orofacial-digital syndrome IV (OFD4). Also called: Orofaciodigital syndrome IV; BARAITSER-BURN SYNDROME; MOHR-MAJEWSKI SYNDROME; OFD SYNDROME WITH TIBIAL DEFECTS; OFD SYNDROME, BARAITSER-BURN TYPE; OFDS IV. Identifiers: Orphanet 2753, MedGen C0406727, MONDO:0009794, OMIM 258860.

Submissions (3):

Labcorp Genetics (formerly Invitae), Labcorp
Classification: Pathogenic for Joubert syndrome 18; Orofacial-digital syndrome IV. Last evaluated: 2025-09-06. Review status: criteria provided, single submitter. Criteria: Invitae Variant Classification Sherloc (09022015). Collection method: clinical testing. Allele origin: germline.
Comment: This sequence change creates a premature translational stop signal (p.Gly62Trpfs*18) in the TCTN3 gene. It is expected to result in an absent or disrupted protein product. Loss-of-function variants in TCTN3 are known to be pathogenic (PMID: 2692869, 22883145, 25118024). This variant is present in population databases (rs763132585, gnomAD 0.003%). This variant has not been reported in the literature in individuals affected with TCTN3-related conditions. ClinVar contains an entry for this variant (Variation ID: 1451613). For these reasons, this variant has been classified as Pathogenic.

Fulgent Genetics
Classification: Likely pathogenic for Orofacial-digital syndrome IV; Joubert syndrome 18. Last evaluated: 2024-03-05. Review status: criteria provided, single submitter. Criteria: ACMG Guidelines, 2015. Collection method: clinical testing. Allele origin: germline.

Department of Pathology and Laboratory Medicine, Sinai Health System
Classification: Likely pathogenic for ciliopathy. Last evaluated: 2022-01-31. Review status: criteria provided, single submitter. Criteria: ACMG Guidelines, 2015. Collection method: research. Allele origin: germline.

Literature cited by the submitters: PubMed 2692869 (cited by Labcorp Genetics (formerly Invitae), Labcorp); PubMed 22883145 (cited by Labcorp Genetics (formerly Invitae), Labcorp); PubMed 25118024 (cited by Labcorp Genetics (formerly Invitae), Labcorp).

NM_015631.6(TCTN3):c.182dup (p.Gly62fs)

Genes: TCTN3 (tectonic family member 3; minus strand), LOC130004408 (ATAC-STARR-seq lymphoblastoid active region 3801; plus strand). Cytogenetic location: 10q24.1.
Variant type: Duplication.
Coding change: c.182dup on transcript NM_015631.6 (MANE Select); coding-DNA position 182, one base duplicated (C; older notation c.182dupC).
Protein change: p.Gly62fs; shifts the reading frame from glycine 62.
Molecular consequence: frameshift variant.
Genome position (GRCh38, 1-based): chr10:95,693,718, G duplicated on the plus strand (C on the coding strand, the reverse complement: TCTN3 is on the minus strand); the first of 2 consecutive G bases (chr10:95,693,718-95,693,719); duplicating either gives the same sequence. VCF-style (leftmost placement, unchanged base first): chr10-95693717-A-AG. GRCh37 (hg19) VCF-style: chr10-97453474-A-AG.
Other names: c.182dup, p.Gly62fs (NM_001143973.2); short protein forms G62fs.
Identifiers: ClinVar variation 1451613 (VCV001451613.8), dbSNP rs763132585, ClinGen allele CA211808451.